The following is an entry in ClinVar:

NM_000222.3(KIT):c.2693A>C (p.Glu898Ala)

Gene: KIT (KIT proto-oncogene, receptor tyrosine kinase; plus strand). Cytogenetic location: 4q12.
Variant type: single nucleotide variant.
Coding change: c.2693A>C on transcript NM_000222.3 (MANE Select); coding-DNA position 2693, A replaced by C.
Protein change: p.Glu898Ala; replaces glutamic acid 898 with alanine.
Molecular consequence: missense variant.
Genome position (GRCh38, 1-based): chr4:54,736,817, A>C. VCF-style: chr4-54736817-A-C. GRCh37 (hg19) VCF-style: chr4-55602983-A-C.
Other names: c.2681A>C, p.Glu894Ala (NM_001093772.2, NM_001385292.1); c.2696A>C, p.Glu899Ala (NM_001385284.1); c.2690A>C, p.Glu897Ala (NM_001385285.1); c.2678A>C, p.Glu893Ala (NM_001385286.1); c.2684A>C, p.Glu895Ala (NM_001385288.1); c.2693A>C, p.Glu898Ala (NM_001385290.1); short protein forms E898A, E894A, E893A, E895A, E897A, E899A.
Identifiers: ClinVar variation 645294 (VCV000645294.8), dbSNP rs761840504, ClinGen allele CA2923824.

ClinVar aggregate classification (germline): Uncertain significance. Review status: criteria provided, multiple submitters, no conflicts (2 of 4 stars). 2 submissions from 2 submitters: Uncertain significance (2). Last evaluated 2023-10-20.

Conditions:
Hereditary cancer-predisposing syndrome. Also called: Hereditary Cancer Syndrome; Tumor predisposition; Neoplastic Syndromes, Hereditary; Hereditary neoplastic syndrome. Identifiers: Orphanet 140162, MedGen C0027672, MeSH D009386, MONDO:0015356.
Gastrointestinal stromal tumor. Also called: Gastrointestinal stromal tumor, somatic; Gastrointestinal stroma tumor. Identifiers: Orphanet 44890, MedGen C0238198, MeSH D046152, MONDO:0011719, OMIM 606764, HP:0100723.

Allele frequency attached by ClinVar (database versions not stated): gnomAD exomes below 0.00001; ExAC 0.00001.
gnomAD v4.1: 2 of 1,613,842 alleles (0.00012%); highest among the groups gnomAD compares: Middle Eastern, 0.016%; no homozygotes.

Submissions (2):

Ambry Genetics
Classification: Uncertain significance for Hereditary cancer-predisposing syndrome. Last evaluated: 2023-10-20. Review status: criteria provided, single submitter. Criteria: Ambry Variant Classification Scheme 2023. Collection method: clinical testing. Allele origin: germline.
Comment: The p.E898A variant (also known as c.2693A>C), located in coding exon 19 of the KIT gene, results from an A to C substitution at nucleotide position 2693. The glutamic acid at codon 898 is replaced by alanine, an amino acid with dissimilar properties. This amino acid position is conserved. In addition, the in silico prediction for this alteration is inconclusive. Since supporting evidence is limited at this time, the clinical significance of this alteration remains unclear.

Labcorp Genetics (formerly Invitae), Labcorp
Classification: Uncertain significance for Gastrointestinal stromal tumor. Last evaluated: 2022-11-12. Review status: criteria provided, single submitter. Criteria: Invitae Variant Classification Sherloc (09022015). Collection method: clinical testing. Allele origin: germline.
Comment: This sequence change replaces glutamic acid, which is acidic and polar, with alanine, which is neutral and non-polar, at codon 898 of the KIT protein (p.Glu898Ala). This variant is present in population databases (rs761840504, gnomAD no frequency). This variant has not been reported in the literature in individuals affected with KIT-related conditions. ClinVar contains an entry for this variant (Variation ID: 645294). Algorithms developed to predict the effect of missense changes on protein structure and function (SIFT, PolyPhen-2, Align-GVGD) all suggest that this variant is likely to be tolerated. In summary, the available evidence is currently insufficient to determine the role of this variant in disease. Therefore, it has been classified as a Variant of Uncertain Significance.